The following is an entry in ClinVar:

ClinVar aggregate classification (germline): Uncertain significance. Review status: criteria provided, multiple submitters, no conflicts (2 of 4 stars). 3 submissions from 3 submitters: Uncertain significance (3). Last evaluated 2024-03-06.

Conditions:
Cardiovascular phenotype. Identifiers: MedGen CN230736.
Desmin-related myofibrillar myopathy (MFM1). Also called: Desminopathy; Desmin related myopathy (former name); Desmin storage myopathy (former name); MYOFIBRILLAR MYOPATHY WITH ARRHYTHMOGENIC RIGHT VENTRICULAR CARDIOMYOPATHY; DESMIN-RELATED MYOPATHY WITH ARRHYTHMOGENIC RIGHT VENTRICULAR CARDIOMYOPATHY; Myofibrillar myopathy 1. Identifiers: Orphanet 363543, Orphanet 98909, MedGen C1832370, MONDO:0011076, OMIM 601419.

Allele frequency attached by ClinVar (database versions not stated): ExAC 0.00001.

Submissions (3):

GeneDx
Classification: Uncertain significance. Last evaluated: 2024-03-06. Review status: criteria provided, single submitter. Criteria: GeneDx Variant Classification Process June 2021. Collection method: clinical testing. Allele origin: germline. Affected: yes.
Comment: Has not been previously published as pathogenic or benign to our knowledge; Not observed at significant frequency in large population cohorts (gnomAD); In silico analysis supports that this missense variant has a deleterious effect on protein structure/function; This variant is associated with the following publications: (PMID: 26807690)

Ambry Genetics
Classification: Uncertain significance for Cardiovascular phenotype. Last evaluated: 2023-10-02. Review status: criteria provided, single submitter. Criteria: Ambry Variant Classification Scheme 2023. Collection method: clinical testing. Allele origin: germline.
Comment: The p.L208W variant (also known as c.623T>G), located in coding exon 2 of the DES gene, results from a T to G substitution at nucleotide position 623. The leucine at codon 208 is replaced by tryptophan, an amino acid with similar properties. This amino acid position is conserved. In addition, this alteration is predicted to be deleterious by in silico analysis. Since supporting evidence is limited at this time, the clinical significance of this alteration remains unclear.

Labcorp Genetics (formerly Invitae), Labcorp
Classification: Uncertain significance for Desmin-related myofibrillar myopathy. Last evaluated: 2022-02-19. Review status: criteria provided, single submitter. Criteria: Invitae Variant Classification Sherloc (09022015). Collection method: clinical testing. Allele origin: germline.
Comment: Advanced modeling of protein sequence and biophysical properties (such as structural, functional, and spatial information, amino acid conservation, physicochemical variation, residue mobility, and thermodynamic stability) performed at Invitae indicates that this missense variant is expected to disrupt DES protein function. In summary, the available evidence is currently insufficient to determine the role of this variant in disease. Therefore, it has been classified as a Variant of Uncertain Significance. This sequence change replaces leucine, which is neutral and non-polar, with tryptophan, which is neutral and slightly polar, at codon 208 of the DES protein (p.Leu208Trp). This variant is present in population databases (rs373062962, gnomAD 0.007%). This variant has not been reported in the literature in individuals affected with DES-related conditions.

NM_001927.4(DES):c.623T>G (p.Leu208Trp)

Gene: DES (desmin; plus strand). Cytogenetic location: 2q35.
Variant type: single nucleotide variant.
Coding change: c.623T>G on transcript NM_001927.4 (MANE Select); coding-DNA position 623, T replaced by G.
Protein change: p.Leu208Trp; replaces leucine 208 with tryptophan.
Molecular consequence: missense variant. On other transcripts: intron variant (1).
Genome position (GRCh38, 1-based): chr2:219,420,139, T>G. VCF-style: chr2-219420139-T-G. GRCh37 (hg19) VCF-style: chr2-220284861-T-G.
Other names: c.623T>G, p.Leu208Trp (NM_001382708.1, NM_001382709.1, NM_001382710.1 and 2 more transcripts); c.496-386T>G (NM_001382713.1); short protein forms L208W.
Identifiers: ClinVar variation 2418885 (VCV002418885.7), dbSNP rs373062962, ClinGen allele CA2125093.